The following is an entry in ClinVar:

NM_014363.6(SACS):c.12493C>G (p.His4165Asp)

Gene: SACS (sacsin molecular chaperone; minus strand). Cytogenetic location: 13q12.12.
Variant type: single nucleotide variant.
Coding change: c.12493C>G on transcript NM_014363.6 (MANE Select); coding-DNA position 12493, C replaced by G.
Protein change: p.His4165Asp; replaces histidine 4165 with aspartic acid.
Molecular consequence: missense variant.
Genome position (GRCh38, 1-based): chr13:23,331,383, G>C on the plus strand (C>G on the coding strand, the complement: SACS is on the minus strand). VCF-style: chr13-23331383-G-C. GRCh37 (hg19) VCF-style: chr13-23905522-G-C.
Other names: c.12052C>G, p.His4018Asp (NM_001278055.2); short protein forms H4018D, H4165D.
Identifiers: ClinVar variation 3369126 (VCV003369126.1).
Genomic context (GRCh38, chr13:23,331,383, plus strand): 5'-GGTACCCAACATATTCTCCCGGGTAAAAAACATTCATTGGGTCCATAAGCAGAGTGTAAT[G>C]AATTTCAGCAGGAATTGGTGTGCCAGGCATTGGAAGTTCCAGTTTTGATGGCTCCGAAGA-3'
Protein context (NP_055178.3, residues 4155-4175): MPGTPIPAEI[His4165Asp]YTLLMDPMNV

ClinVar aggregate classification (germline): Uncertain significance (1 of 4 stars; one submission).

Submission:

GeneDx
Classification: Uncertain significance. Last evaluated: 2024-02-15. Review status: criteria provided, single submitter. Criteria: GeneDx Variant Classification Process June 2021. Collection method: clinical testing. Allele origin: germline. Affected: yes.
Comment: Not observed at significant frequency in large population cohorts (gnomAD); In silico analysis supports that this missense variant has a deleterious effect on protein structure/function; Has not been previously published as pathogenic or benign to our knowledge